The following is an entry in ClinVar:

NM_000548.5(TSC2):c.3798G>A (p.Leu1266=)

Gene: TSC2 (TSC complex subunit 2; plus strand). Cytogenetic location: 16p13.3.
Variant type: single nucleotide variant.
Coding change: c.3798G>A on transcript NM_000548.5 (MANE Select); coding-DNA position 3798, G replaced by A.
Protein change: p.Leu1266=; no amino-acid change (leucine 1266 retained).
Molecular consequence: synonymous variant.
Genome position (GRCh38, 1-based): chr16:2,081,782, G>A. VCF-style: chr16-2081782-G-A. GRCh37 (hg19) VCF-style: chr16-2131783-G-A.
Other names: c.3666G>A, p.Leu1222= (NM_001077183.3, NM_001370404.1); c.3798G>A, p.Leu1266= (NM_001114382.3); c.3558G>A, p.Leu1186= (NM_001318827.2); c.3522G>A, p.Leu1174= (NM_001318829.2); c.3066G>A, p.Leu1022= (NM_001318831.2); c.3699G>A, p.Leu1233= (NM_001318832.2); c.3669G>A, p.Leu1223= (NM_001363528.2, NM_001370405.1, NM_021055.3).
Identifiers: ClinVar variation 748006 (VCV000748006.15), dbSNP rs1187813837, ClinGen allele CA493043293.

ClinVar aggregate classification (germline): Benign/Likely benign. Review status: criteria provided, multiple submitters, no conflicts (2 of 4 stars). 4 submissions from 4 submitters: Benign (1); Likely benign (3). Last evaluated 2025-08-17.

Conditions:
Tuberous sclerosis syndrome (TSC). Also called: Tuberous sclerosis; Tuberous Sclerosis Complex. Identifiers: Orphanet 805, MedGen C0041341, MONDO:0001734.
Tuberous sclerosis 2 (TSC2). Identifiers: Orphanet 805, MedGen C1860707, MONDO:0013199, OMIM 613254.
Hereditary cancer-predisposing syndrome. Also called: Tumor predisposition; Hereditary Cancer Syndrome; Neoplastic Syndromes, Hereditary; Hereditary neoplastic syndrome. Identifiers: Orphanet 140162, MedGen C0027672, MeSH D009386, MONDO:0015356.

Allele frequency attached by ClinVar (database versions not stated): gnomAD exomes below 0.00001 and 0.00001.
gnomAD v4.1: 9 of 1,612,460 alleles (0.00056%); highest among the groups gnomAD compares: Non-Finnish European, 0.00076%; no homozygotes.

Submissions (4):

Labcorp Genetics (formerly Invitae), Labcorp
Classification: Likely benign for Tuberous sclerosis 2. Last evaluated: 2025-08-17. Review status: criteria provided, single submitter. Criteria: Invitae Variant Classification Sherloc (09022015). Collection method: clinical testing. Allele origin: germline.

Myriad Genetics, Inc.
Classification: Benign for Tuberous sclerosis 2. Last evaluated: 2025-05-30. Review status: criteria provided, single submitter. Criteria: Myriad Autosomal Dominant, Autosomal Recessive and X-Linked Classification Criteria (2023). Collection method: clinical testing. Allele origin: unknown.
Comment: This variant is considered benign. This variant is a silent/synonymous amino acid change and it is not expected to impact splicing.

All of Us Research Program, National Institutes of Health
Classification: Likely benign for Tuberous sclerosis syndrome. Last evaluated: 2023-09-17. Review status: criteria provided, single submitter. Criteria: ACMG Guidelines, 2015. Collection method: clinical testing. Allele origin: germline. Inheritance: Autosomal dominant inheritance. Observed: 1 variant allele, 1 heterozygote.
Comment: This study involves interpretation of variants in research participants for the purpose of population health screening. Participant phenotype was not available at the time of variant classification. Additional details can be found in publication PMID: 35346344, PMCID: PMC8962531

Ambry Genetics
Classification: Likely benign for Hereditary cancer-predisposing syndrome. Last evaluated: 2015-12-10. Review status: criteria provided, single submitter. Criteria: Ambry Variant Classification Scheme 2023. Collection method: clinical testing. Allele origin: germline.